The following is an entry in ClinVar:

ClinVar aggregate classification (germline): Uncertain significance (1 of 4 stars; one submission).

Submission:

Labcorp Genetics (formerly Invitae), Labcorp
Classification: Uncertain significance. Last evaluated: 2022-05-09. Review status: criteria provided, single submitter. Criteria: Invitae Variant Classification Sherloc (09022015). Collection method: clinical testing. Allele origin: germline.
Comment: This variant results in a copy number gain of the genomic region encompassing exon(s) 1-18 of the CACNA1B gene. This region includes the initiator codon of the gene. This copy number gain extends beyond the assayed region for this gene and therefore may encompass additional genes. As the precise location of this event is unknown, it may be in tandem or it may be located elsewhere in the genome. This variant has not been reported in the literature in individuals affected with CACNA1B-related conditions. In summary, the available evidence is currently insufficient to determine the role of this variant in disease. Therefore, it has been classified as a Variant of Uncertain Significance.

NC_000009.11:g.(?_140772386)_(140907707_?)dup

Gene: CACNA1B (calcium voltage-gated channel subunit alpha1 B; plus strand). Cytogenetic location: 9q34.3.
Variant type: Duplication.
Identifiers: ClinVar variation 2423357 (VCV002423357.4).